The following is an entry in ClinVar:

NM_000274.4(OAT):c.395A>G (p.Asn132Ser)

Gene: OAT (ornithine aminotransferase; minus strand). Cytogenetic location: 10q26.13.
Variant type: single nucleotide variant.
Coding change: c.395A>G on transcript NM_000274.4 (MANE Select); coding-DNA position 395, A replaced by G.
Protein change: p.Asn132Ser; replaces asparagine 132 with serine.
Molecular consequence: missense variant. On other transcripts: 5 prime UTR variant (2), intron variant (1).
Genome position (GRCh38, 1-based): chr10:124,408,770, T>C on the plus strand (A>G on the coding strand, the complement: OAT is on the minus strand). VCF-style: chr10-124408770-T-C. GRCh37 (hg19) VCF-style: chr10-126097339-T-C.
Other names: c.-20A>G (NM_001171814.2); c.395A>G, p.Asn132Ser (NM_001322965.2, NM_001322966.2, NM_001322967.2 and 3 more transcripts); c.-320A>G (NM_001322974.2); c.199+3203A>G (NM_001322971.2); short protein forms N132S.
Identifiers: ClinVar variation 2009753 (VCV002009753.4), dbSNP rs905910662, ClinGen allele CA215254059.

ClinVar aggregate classification (germline): Uncertain significance (1 of 4 stars; one submission).

Conditions:
Ornithine aminotransferase deficiency (GACR). Also called: Ornithine ketoacid aminotransferase deficiency; Gyrate atrophy; Gyrate atrophy of choroid and retina; Girate atrophy of the retina; HYPERORNITHINEMIA WITH GYRATE ATROPHY OF CHOROID AND RETINA; OAT DEFICIENCY. Identifiers: Orphanet 414, MedGen C0018425, MONDO:0009796, OMIM 258870.

Allele frequency attached by ClinVar (database versions not stated): TOPMed below 0.00001; gnomAD 0.00001.
gnomAD v4.1: 1 of 1,611,056 alleles (0.000062%); highest among the groups gnomAD compares: Non-Finnish European, 0.000085%; no homozygotes.

Submission:

Labcorp Genetics (formerly Invitae), Labcorp
Classification: Uncertain significance for Ornithine aminotransferase deficiency. Last evaluated: 2022-06-23. Review status: criteria provided, single submitter. Criteria: Invitae Variant Classification Sherloc (09022015). Collection method: clinical testing. Allele origin: germline.
Comment: In summary, the available evidence is currently insufficient to determine the role of this variant in disease. Therefore, it has been classified as a Variant of Uncertain Significance. Algorithms developed to predict the effect of missense changes on protein structure and function output the following: SIFT: "Tolerated"; PolyPhen-2: "Benign"; Align-GVGD: "Class C0". The serine amino acid residue is found in multiple mammalian species, which suggests that this missense change does not adversely affect protein function. This variant has not been reported in the literature in individuals affected with OAT-related conditions. This variant is not present in population databases (gnomAD no frequency). This sequence change replaces asparagine, which is neutral and polar, with serine, which is neutral and polar, at codon 132 of the OAT protein (p.Asn132Ser).